The following is an entry in ClinVar:

NM_005632.3(CAPN15):c.2345+5C>T

Gene: CAPN15 (calpain 15; plus strand). Cytogenetic location: 16p13.3.
Variant type: single nucleotide variant.
Coding change: c.2345+5C>T on transcript NM_005632.3 (MANE Select); 5 bases into the intron after coding-DNA position 2345, C replaced by T.
Molecular consequence: intron variant.
Genome position (GRCh38, 1-based): chr16:551,669, C>T. VCF-style: chr16-551669-C-T. GRCh37 (hg19) VCF-style: chr16-601669-C-T.
Identifiers: ClinVar variation 3038753 (VCV003038753.8), dbSNP rs74786985, ClinGen allele CA7778673.

ClinVar aggregate classification (germline): Likely benign. Review status: criteria provided, single submitter (1 of 4 stars). 2 submissions from 2 submitters: Likely benign (1). 1 of the submissions does not count toward it. Last evaluated 2026-07-01.

Conditions:
CAPN15-related disorder. Also called: CAPN15-related condition.

Allele frequency attached by ClinVar (database versions not stated): ESP Exome Variant Server 0.00015; TOPMed 0.00045; gnomAD 0.00052; ExAC 0.00071; 1000 Genomes Project 30x 0.00078; 1000 Genomes Project 0.00080.
gnomAD v4.1: 644 of 1,588,114 alleles (0.041%); highest among the groups gnomAD compares: East Asian, 0.24%; no homozygotes.

Submissions (2):

CeGaT Center for Human Genetics Tuebingen
Classification: Likely benign. Last evaluated: 2026-07-01. Review status: criteria provided, single submitter. Criteria: CeGaT Center For Human Genetics Tuebingen Variant Classification Criteria Version 2. Collection method: clinical testing. Allele origin: germline. Affected: yes. Observed: 2 variant alleles.
Comment: CAPN15: BP4

PreventionGenetics, part of Exact Sciences
Classification: Likely benign for CAPN15-related condition. Last evaluated: 2019-05-28. Review status: no assertion criteria provided. Collection method: clinical testing. Allele origin: germline. Not counted in ClinVar's aggregate classification.
Comment: This variant is classified as likely benign based on ACMG/AMP sequence variant interpretation guidelines (Richards et al. 2015 PMID: 25741868, with internal and published modifications).